The following is an entry in ClinVar:

NM_001184.4(ATR):c.2047A>G (p.Asn683Asp)

Gene: ATR (ATR checkpoint kinase; minus strand). Cytogenetic location: 3q23.
Variant type: single nucleotide variant.
Coding change: c.2047A>G on transcript NM_001184.4 (MANE Select); coding-DNA position 2047, A replaced by G.
Protein change: p.Asn683Asp; replaces asparagine 683 with aspartic acid.
Molecular consequence: missense variant.
Genome position (GRCh38, 1-based): chr3:142,556,414, T>C on the plus strand (A>G on the coding strand, the complement: ATR is on the minus strand). VCF-style: chr3-142556414-T-C. GRCh37 (hg19) VCF-style: chr3-142275256-T-C.
Other names: c.1855A>G, p.Asn619Asp (NM_001354579.2); short protein forms N619D, N683D.
Identifiers: ClinVar variation 1044186 (VCV001044186.7), dbSNP rs140952649, ClinGen allele CA2650449.

ClinVar aggregate classification (germline): Uncertain significance (1 of 4 stars; one submission).

Allele frequency attached by ClinVar (database versions not stated): gnomAD exomes below 0.00001 and 0.00001; ExAC 0.00001; gnomAD 0.00001; TOPMed 0.00002; ESP Exome Variant Server 0.00008.
gnomAD v4.1: 5 of 1,614,002 alleles (0.00031%); highest among the groups gnomAD compares: African/African-American, 0.0013%; no homozygotes.

Submission:

Labcorp Genetics (formerly Invitae), Labcorp
Classification: Uncertain significance. Last evaluated: 2020-10-27. Review status: criteria provided, single submitter. Criteria: Invitae Variant Classification Sherloc (09022015). Collection method: clinical testing. Allele origin: germline.
Comment: In summary, the available evidence is currently insufficient to determine the role of this variant in disease. Therefore, it has been classified as a Variant of Uncertain Significance. Algorithms developed to predict the effect of missense changes on protein structure and function (SIFT, PolyPhen-2, Align-GVGD) all suggest that this variant is likely to be tolerated, but these predictions have not been confirmed by published functional studies and their clinical significance is uncertain. This variant has not been reported in the literature in individuals with ATR-related conditions. This variant is present in population databases (rs140952649, ExAC 0.001%). This sequence change replaces asparagine with aspartic acid at codon 683 of the ATR protein (p.Asn683Asp). The asparagine residue is weakly conserved and there is a small physicochemical difference between asparagine and aspartic acid.